The following is an entry in ClinVar:

ClinVar aggregate classification (germline): Benign (1 of 4 stars; one submission).

Conditions:
Amelogenesis imperfecta hypomaturation type 2A3. Also called: Amelogenesis imperfecta, type IIA3. Identifiers: Orphanet 88661, MedGen C2750771, MONDO:0013181, OMIM 613211. Disease mechanism: loss of function.

Allele frequency attached by ClinVar (database versions not stated): gnomAD 0.00044 and 0.00048; TOPMed 0.00049; 1000 Genomes Project 30x 0.00203; 1000 Genomes Project 0.00260.
gnomAD v4.1: 74 of 152,284 alleles (0.049%); highest among the groups gnomAD compares: African/African-American, 0.16%; no homozygotes.

Submission:

Illumina Laboratory Services, Illumina
Classification: Benign for Amelogenesis imperfecta hypomaturation type 2A3. Last evaluated: 2017-04-27. Review status: criteria provided, single submitter. Criteria: ICSL Variant Classification Criteria 13 December 2019. Collection method: clinical testing. Allele origin: germline.
Comment: This variant was observed as part of a predisposition screen in an ostensibly healthy population. A literature search was performed for the gene, cDNA change, and amino acid change (where applicable). No publications were found based on this search. Allele frequency data from public databases was too high to be consistent with this variant causing disease. Therefore, this variant is classified as benign.

NM_182758.4(WDR72):c.*3225T>G

Gene: WDR72 (WD repeat domain 72; minus strand). Cytogenetic location: 15q21.3.
Variant type: single nucleotide variant.
Coding change: c.*3225T>G on transcript NM_182758.4 (MANE Select); 3225 bases downstream of the stop codon, T replaced by G.
Molecular consequence: 3 prime UTR variant. On other transcripts: non-coding transcript variant (3).
Genome position (GRCh38, 1-based): chr15:53,514,474, A>C on the plus strand (T>G on the coding strand, the complement: WDR72 is on the minus strand). VCF-style: chr15-53514474-A-C. GRCh37 (hg19) VCF-style: chr15-53806671-A-C.
Other names: c.*3225T>G (NM_001277176.2).
Identifiers: ClinVar variation 884439 (VCV000884439.4), dbSNP rs137867992, ClinGen allele CA271074492.